The following is an entry in ClinVar:

NM_001042413.2(GLIS3):c.2785G>A (p.Glu929Lys)

Gene: GLIS3 (GLIS family zinc finger 3; minus strand). Cytogenetic location: 9p24.2.
Variant type: single nucleotide variant.
Coding change: c.2785G>A on transcript NM_001042413.2 (MANE Select); coding-DNA position 2785, G replaced by A.
Protein change: p.Glu929Lys; replaces glutamic acid 929 with lysine.
Molecular consequence: missense variant.
Genome position (GRCh38, 1-based): chr9:3,828,280, C>T on the plus strand (G>A on the coding strand, the complement: GLIS3 is on the minus strand). VCF-style: chr9-3828280-C-T. GRCh37 (hg19) VCF-style: chr9-3828280-C-T.
Other names: c.2320G>A, p.Glu774Lys (NM_152629.4); short protein forms E774K, E929K.
Identifiers: ClinVar variation 1697159 (VCV001697159.2), dbSNP rs758121146, ClinGen allele CA4967631.
Genomic context (GRCh38, chr9:3,828,280, plus strand): 5'-GGTGGCAAGCAACATCAAGGTCCTGGGTGTGCAGGAGTGGCCAAGAGAGCTTTTAGCCTT[C>T]GGTGTAGACAGAGGAGAGCTGGCTAGGACAGCGGTCCACGGTGCTGATCTGCAAGAAGGT-3'
Protein context (NP_001035878.1, residues 919-930): CPSQLSSVYT[Glu929Lys]G

ClinVar aggregate classification (germline): Uncertain significance (1 of 4 stars; one submission).

Allele frequency attached by ClinVar (database versions not stated): TOPMed below 0.00001; ExAC 0.00001; gnomAD 0.00001; gnomAD exomes 0.00001.

Submission:

GeneDx
Classification: Uncertain significance. Last evaluated: 2022-01-13. Review status: criteria provided, single submitter. Criteria: GeneDx Variant Classification Process June 2021. Collection method: clinical testing. Allele origin: germline. Affected: yes.
Comment: Not observed at significant frequency in large population cohorts (gnomAD); In silico analysis supports that this missense variant does not alter protein structure/function; Has not been previously published as pathogenic or benign to our knowledge